The following is an entry in ClinVar:

NM_000046.5(ARSB):c.489_491del (p.Thr164del)

Gene: ARSB (arylsulfatase B; minus strand). Cytogenetic location: 5q14.1.
Variant type: Deletion.
Coding change: c.489_491del on transcript NM_000046.5 (MANE Select); coding-DNA positions 489 to 491, 3 bases deleted (TAC; older notation c.489_491delTAC).
Protein change: p.Thr164del; deletes threonine 164.
Molecular consequence: inframe deletion.
Genome position (GRCh38, 1-based): chr5:78,969,014-78,969,016, GTA deleted on the plus strand (TAC on the coding strand, the reverse complement: ARSB is on the minus strand). VCF-style (leftmost placement, unchanged base first): chr5-78969013-GGTA-G. GRCh37 (hg19) VCF-style: chr5-78264836-GGTA-G.
Other names: c.489_491del, p.Thr164del (NM_198709.3); short protein forms T164del.
Identifiers: ClinVar variation 559790 (VCV000559790.1), dbSNP rs1214445569, ClinGen allele CA560767968.

ClinVar aggregate classification (germline): Uncertain significance (1 of 4 stars; one submission).

Conditions:
Mucopolysaccharidosis type 6 (MPS6). Also called: N-ACETYLGALACTOSAMINE-4-SULFATASE DEFICIENCY; MPS VI; MPS 6; Maroteaux Lamy syndrome; ARSB DEFICIENCY; ARYLSULFATASE B DEFICIENCY. Identifiers: Orphanet 583, MedGen C0026709, MONDO:0009661, OMIM 253200.

Allele frequency attached by ClinVar (database versions not stated): gnomAD exomes below 0.00001.

Submission:

Laboratory of Diagnosis and Therapy of Lysosomal Disorders, University of Padova
Classification: Uncertain significance for Mucopolysaccharidosis type 6. Last evaluated: 2018-01-01. Review status: criteria provided, single submitter. Criteria: ACMG Guidelines, 2015. Collection method: curation. Allele origin: germline. Affected: yes.
Comment: Very low frequency in GnomAD (PM2)

Literature cited by the submitters: PubMed 17458871; PubMed 30118150.